The following is an entry in ClinVar:

NM_018979.4(WNK1):c.915G>A (p.Thr305=)

Gene: WNK1 (WNK lysine deficient protein kinase 1; plus strand). Cytogenetic location: 12p13.33.
Variant type: single nucleotide variant.
Coding change: c.915G>A on transcript NM_018979.4 (MANE Select); coding-DNA position 915, G replaced by A.
Protein change: p.Thr305=; no amino-acid change (threonine 305 retained).
Molecular consequence: synonymous variant.
Genome position (GRCh38, 1-based): chr12:813,797, G>A. VCF-style: chr12-813797-G-A. GRCh37 (hg19) VCF-style: chr12-922963-G-A.
Other names: p.Thr305=; c.915G>A, p.Thr305= (NM_001184985.2, NM_014823.3, NM_213655.5).
Identifiers: ClinVar variation 310670 (VCV000310670.53), dbSNP rs72648609, ClinGen allele CA6381858.
Genomic context (GRCh38, chr12:813,797, plus strand): 5'-TTCCTGGGAATCCACAGTAAAAGGAAAGAAGTGCATTGTTTTGGTGACTGAACTTATGAC[G>A]TCTGGAACACTTAAAACGTAAGTTCATCAGTATTACAAAAGCTGACCAAGAAGTATGAGA-3'
Protein context (NP_061852.3, residues 295-315): KCIVLVTELM[Thr305=]SGTLKTYLKR

ClinVar aggregate classification (germline): Benign/Likely benign. Review status: criteria provided, multiple submitters, no conflicts (2 of 4 stars). 9 submissions from 9 submitters: Benign (2); Likely benign (7). Last evaluated 2026-08-01.

Conditions:
Pseudohypoaldosteronism type 2C (PHA2C). Also called: Pseudohypoaldosteronism Type IIC. Identifiers: Orphanet 757, Orphanet 88940, MedGen C1840391, MONDO:0013778, OMIM 614492.
Neuropathy, hereditary sensory and autonomic, type 2A (HSAN2A). Also called: HSAN IIA; ACROOSTEOLYSIS, GIACCAI TYPE; ACROOSTEOLYSIS, NEUROGENIC; MORVAN DISEASE; NEUROPATHY, CONGENITAL SENSORY; NEUROPATHY, HEREDITARY SENSORY RADICULAR, AUTOSOMAL RECESSIVE. Identifiers: Orphanet 970, MedGen C2752089, MONDO:0024309, OMIM 201300.

Allele frequency attached by ClinVar (database versions not stated): TOPMed 0.00045; gnomAD 0.00048 and 0.00059; 1000 Genomes Project 0.00060; 1000 Genomes Project 30x 0.00062; ExAC 0.00063; ESP Exome Variant Server 0.00092.
gnomAD v4.1: 1,144 of 1,613,790 alleles (0.071%); highest among the groups gnomAD compares: South Asian, 0.15%; 5 homozygotes.

Submissions (9):

CeGaT Center for Human Genetics Tuebingen
Classification: Likely benign. Last evaluated: 2026-08-01. Review status: criteria provided, single submitter. Criteria: CeGaT Center For Human Genetics Tuebingen Variant Classification Criteria Version 2. Collection method: clinical testing. Allele origin: germline. Affected: yes. Observed: 10 variant alleles.
Comment: WNK1: BP4, BP7

Labcorp Genetics (formerly Invitae), Labcorp
Classification: Likely benign for Neuropathy, hereditary sensory and autonomic, type 2A; Pseudohypoaldosteronism type 2C. Last evaluated: 2026-01-27. Review status: criteria provided, single submitter. Criteria: Invitae Variant Classification Sherloc (09022015). Collection method: clinical testing. Allele origin: germline.

Mayo Clinic Laboratories, Mayo Clinic
Classification: Likely benign. Last evaluated: 2025-11-19. Review status: criteria provided, single submitter. Criteria: ACMG Guidelines, 2015. Collection method: clinical testing. Allele origin: germline. Observed: 4 variant alleles.
Comment: BS2, BP4, BP7

Laboratory of Genetics, Children's Clinical University Hospital Latvia
Classification: Benign. Last evaluated: 2025-02-16. Review status: criteria provided, single submitter. Criteria: ACMG Guidelines, 2015. Collection method: clinical testing. Allele origin: germline. Affected: yes.

Blueprint Genetics
Classification: Likely benign. Last evaluated: 2024-11-25. Review status: criteria provided, single submitter. Criteria: ACMG Guidelines, 2015. Collection method: clinical testing. Allele origin: germline.

ARUP Laboratories, Molecular Genetics and Genomics, ARUP Laboratories
Classification: Likely benign. Last evaluated: 2023-08-18. Review status: criteria provided, single submitter. Criteria: ARUP Molecular Germline Variant Investigation Process 2024. Collection method: clinical testing. Allele origin: germline.

Fulgent Genetics
Classification: Likely benign for Neuropathy, hereditary sensory and autonomic, type 2A; Pseudohypoaldosteronism type 2C. Last evaluated: 2021-12-09. Review status: criteria provided, single submitter. Criteria: ACMG Guidelines, 2015. Collection method: clinical testing. Allele origin: unknown.

Illumina Laboratory Services, Illumina
Classification: Benign for Pseudohypoaldosteronism type 2C. Last evaluated: 2018-01-13. Review status: criteria provided, single submitter. Criteria: ICSL Variant Classification Criteria 13 December 2019. Collection method: clinical testing. Allele origin: germline.
Comment: This variant was observed in the ICSL laboratory as part of a predisposition screen in an ostensibly healthy population. It had not been previously curated by ICSL or reported in the Human Gene Mutation Database (HGMD: prior to June 1st, 2018), and was therefore a candidate for classification through an automated scoring system. Utilizing variant allele frequency, disease prevalence and penetrance estimates, and inheritance mode, an automated score was calculated to assess if this variant is too frequent to cause the disease. Based on the score and internal cut-off values, a variant classified as benign is not then subjected to further curation. The score for this variant resulted in a classification of benign for this disease.

Breakthrough Genomics
Classification: Likely benign. Review status: criteria provided, single submitter. Criteria: ACMG Guidelines, 2015. Collection method: not provided. Allele origin: germline. Inheritance: Autosomal recessive inheritance. Affected: yes.